The following is an entry in ClinVar:

ClinVar aggregate classification (germline): Pathogenic (1 of 4 stars; one submission).

Conditions:
Familial cancer of breast. Also called: BREAST CANCER, FAMILIAL; Hereditary breast cancer; hereditary breast carcinoma. Identifiers: Orphanet 227535, MedGen C0346153, MONDO:0016419, OMIM 114480. Disease mechanism: loss of function.

Submission:

Myriad Genetics, Inc.
Classification: Pathogenic for Familial cancer of breast. Last evaluated: 2024-01-11. Review status: criteria provided, single submitter. Criteria: Myriad Autosomal Dominant, Autosomal Recessive and X-Linked Classification Criteria (2023). Collection method: clinical testing. Allele origin: unknown.
Comment: This variant is considered pathogenic. This variant creates a frameshift predicted to result in premature protein truncation.

NM_000051.4(ATM):c.805dup (p.His269fs)

Gene: ATM (ATM serine/threonine kinase; plus strand). Cytogenetic location: 11q22.3.
Variant type: Duplication.
Coding change: c.805dup on transcript NM_000051.4 (MANE Select); coding-DNA position 805, one base duplicated (C; older notation c.805dupC).
Protein change: p.His269fs; shifts the reading frame from histidine 269.
Molecular consequence: frameshift variant.
Genome position (GRCh38, 1-based): chr11:108,244,930, C duplicated. VCF-style (leftmost placement, unchanged base first): chr11-108244929-A-AC. GRCh37 (hg19) VCF-style: chr11-108115656-A-AC.
Other names: c.805dup, p.His269fs (NM_001351834.2); short protein forms H269fs.
Identifiers: ClinVar variation 3148258 (VCV003148258.1), dbSNP rs2497151770, ClinGen allele CA2825001759.